The following is an entry in ClinVar:

ClinVar aggregate classification (germline): Uncertain significance (1 of 4 stars; one submission).

Conditions:
Hereditary cancer-predisposing syndrome. Also called: Neoplastic Syndromes, Hereditary; Tumor predisposition; Hereditary Cancer Syndrome; Hereditary neoplastic syndrome. Identifiers: Orphanet 140162, MedGen C0027672, MeSH D009386, MONDO:0015356.

Allele frequency attached by ClinVar (database versions not stated): gnomAD exomes below 0.00001.
gnomAD v4.1: 2 of 1,600,178 alleles (0.00012%); highest among the groups gnomAD compares: African/African-American, 0.0013%; no homozygotes.

Submission:

Ambry Genetics
Classification: Uncertain significance for Hereditary cancer-predisposing syndrome. Last evaluated: 2025-02-27. Review status: criteria provided, single submitter. Criteria: Ambry Variant Classification Scheme 2023. Collection method: clinical testing. Allele origin: germline.
Comment: The p.K616Q variant (also known as c.1846A>C), located in coding exon 14 of the SDHA gene, results from an A to C substitution at nucleotide position 1846. The lysine at codon 616 is replaced by glutamine, an amino acid with similar properties. This amino acid position is not well conserved in available vertebrate species. In addition, the in silico prediction for this alteration is inconclusive. Based on the available evidence, the clinical significance of this variant remains unclear.

NM_004168.4(SDHA):c.1846A>C (p.Lys616Gln)

Gene: SDHA (succinate dehydrogenase complex flavoprotein subunit A; plus strand). Cytogenetic location: 5p15.33.
Variant type: single nucleotide variant.
Coding change: c.1846A>C on transcript NM_004168.4 (MANE Select); coding-DNA position 1846, A replaced by C.
Protein change: p.Lys616Gln; replaces lysine 616 with glutamine.
Molecular consequence: missense variant.
Genome position (GRCh38, 1-based): chr5:254,444, A>C. VCF-style: chr5-254444-A-C. GRCh37 (hg19) VCF-style: chr5-254559-A-C.
Other names: c.1702A>C, p.Lys568Gln (NM_001294332.2); c.1603A>C, p.Lys535Gln (NM_001330758.2); short protein forms K568Q, K616Q, K535Q.
Identifiers: ClinVar variation 820185 (VCV000820185.5), dbSNP rs1453752069, ClinGen allele CA359001924.